The following is an entry in ClinVar:

NM_001378120.1(MBD5):c.962T>C (p.Met321Thr)

Gene: MBD5 (methyl-CpG binding domain protein 5; plus strand). Cytogenetic location: 2q23.1.
Variant type: single nucleotide variant.
Coding change: c.962T>C on transcript NM_001378120.1 (MANE Select); coding-DNA position 962, T replaced by C.
Protein change: p.Met321Thr; replaces methionine 321 with threonine.
Molecular consequence: missense variant.
Genome position (GRCh38, 1-based): chr2:148,468,905, T>C. VCF-style: chr2-148468905-T-C. GRCh37 (hg19) VCF-style: chr2-149226474-T-C.
Other names: c.962T>C, p.Met321Thr (NM_018328.5); short protein forms M321T.
Identifiers: ClinVar variation 836293 (VCV000836293.9), dbSNP rs140978568, ClinGen allele CA1899948.
Genomic context (GRCh38, chr2:148,468,905, plus strand): 5'-CAACCTTGACTACAAAGAGTCCAGTAATGAAAAAACCAATGTGTAATTTTTCAACTAATA[T>C]GGAAATACCACGAGCAATGTTCCACCACAAACCACCCCAAGGCCCACCTCCCCCTCCTCC-3'
Protein context (NP_001365049.1, residues 311-331): KKPMCNFSTN[Met321Thr]EIPRAMFHHK

ClinVar aggregate classification (germline): Uncertain significance (1 of 4 stars; one submission).

Conditions:
Intellectual developmental disorder, autosomal dominant 1. Also called: Intellectual disability, autosomal dominant 1; MBD5 Haploinsufficiency. Identifiers: Orphanet 228402, MedGen C1969562, MONDO:0007974, OMIM 156200.

Allele frequency attached by ClinVar (database versions not stated): ExAC 0.00001; gnomAD exomes below 0.00001; TOPMed 0.00001; gnomAD 0.00001; ESP Exome Variant Server 0.00008.
gnomAD v4.1: 2 of 1,613,704 alleles (0.00012%); highest among the groups gnomAD compares: African/African-American, 0.0013%; no homozygotes.

Submission:

Labcorp Genetics (formerly Invitae), Labcorp
Classification: Uncertain significance for Intellectual developmental disorder, autosomal dominant 1. Last evaluated: 2024-02-07. Review status: criteria provided, single submitter. Criteria: Invitae Variant Classification Sherloc (09022015). Collection method: clinical testing. Allele origin: germline.
Comment: This sequence change replaces methionine, which is neutral and non-polar, with threonine, which is neutral and polar, at codon 321 of the MBD5 protein (p.Met321Thr). This variant is not present in population databases (gnomAD no frequency). This variant has not been reported in the literature in individuals affected with MBD5-related conditions. ClinVar contains an entry for this variant (Variation ID: 836293). Advanced modeling of protein sequence and biophysical properties (such as structural, functional, and spatial information, amino acid conservation, physicochemical variation, residue mobility, and thermodynamic stability) performed at Invitae indicates that this missense variant is not expected to disrupt MBD5 protein function with a negative predictive value of 80%. In summary, the available evidence is currently insufficient to determine the role of this variant in disease. Therefore, it has been classified as a Variant of Uncertain Significance.